The following is an entry in ClinVar:

ClinVar aggregate classification (germline): Uncertain significance (1 of 4 stars; one submission).

Submission:

Ambry Genetics
Classification: Uncertain significance. Last evaluated: 2022-04-04. Review status: criteria provided, single submitter. Criteria: Ambry Variant Classification Scheme 2023. Collection method: clinical testing. Allele origin: germline.
Comment: The c.4279_4284delCAGGCC variant (also known as p.Q1427_A1428del) is located in coding exon 12 of the MLH3 gene. This variant results from an in-frame CAGGCC deletion at nucleotide positions 4279 to 4284. This results in the in-frame deletion of a at codon 1427. The evidence for this gene-disease relationship is limited; therefore, the clinical significance of this alteration is unclear.

NM_001040108.2(MLH3):c.4279_4284del (p.Gln1427_Ala1428del)

Gene: MLH3 (mutL homolog 3; minus strand). Cytogenetic location: 14q24.3.
Variant type: Deletion.
Coding change: c.4279_4284del on transcript NM_001040108.2 (MANE Select); coding-DNA positions 4279 to 4284, 6 bases deleted (CAGGCC; older notation c.4279_4284delCAGGCC).
Protein change: p.Gln1427_Ala1428del.
Molecular consequence: inframe deletion. On other transcripts: inframe indel (1).
Genome position (GRCh38, 1-based): chr14:75,017,160-75,017,165, GGCCTG deleted on the plus strand (CAGGCC on the coding strand, the reverse complement: MLH3 is on the minus strand); deleting any 6 consecutive bases within chr14:75,017,160-75,017,169 gives the same sequence; the c. name uses the placement nearest the transcript's 3' end. VCF-style (leftmost placement, unchanged base first): chr14-75017159-AGGCCTG-A. GRCh37 (hg19) VCF-style: chr14-75483862-AGGCCTG-A.
Other names: c.4207_4212del, p.Gln1403_Ala1404del (NM_014381.3); c.4279_4284delCAGGCC (NM_001040108.1).
Identifiers: ClinVar variation 1739314 (VCV001739314.2), dbSNP rs2503032814, ClinGen allele CA2580088813.